The following is an entry in ClinVar:

ClinVar aggregate classification (germline): Uncertain significance (1 of 4 stars; one submission).

Conditions:
Inborn genetic diseases. Identifiers: MedGen C0950123, MeSH D030342.

Submission:

Ambry Genetics
Classification: Uncertain significance for Inborn genetic diseases. Last evaluated: 2025-01-06. Review status: criteria provided, single submitter. Criteria: Ambry Variant Classification Scheme 2023. Collection method: clinical testing. Allele origin: germline.
Comment: The p.D989V variant (also known as c.2966A>T), located in coding exon 23 of the BUB1B gene, results from an A to T substitution at nucleotide position 2966. The aspartic acid at codon 989 is replaced by valine, an amino acid with highly dissimilar properties. This amino acid position is conserved. In addition, this alteration is predicted to be tolerated by in silico analysis. Based on the available evidence, the clinical significance of this variant remains unclear.

NM_001211.6(BUB1B):c.2966A>T (p.Asp989Val)

Genes: BUB1B (BUB1 mitotic checkpoint serine/threonine kinase B; plus strand), BUB1B-PAK6 (BUB1B-PAK6 readthrough; plus strand). Cytogenetic location: 15q15.1.
Variant type: single nucleotide variant.
Coding change: c.2966A>T on transcript NM_001211.6 (MANE Select); coding-DNA position 2966, A replaced by T.
Protein change: p.Asp989Val; replaces aspartic acid 989 with valine.
Molecular consequence: missense variant. On other transcripts: intron variant (2).
Genome position (GRCh38, 1-based): chr15:40,220,572, A>T. VCF-style: chr15-40220572-A-T. GRCh37 (hg19) VCF-style: chr15-40512773-A-T.
Other names: c.-201+2905A>T (NM_001128628.3); c.-118+2905A>T (NM_001128629.3); short protein forms D989V.
Identifiers: ClinVar variation 3826087 (VCV003826087.1).